The following is an entry in ClinVar:

NM_001165963.4(SCN1A):c.2525T>G (p.Leu842Arg)

Gene: SCN1A (sodium voltage-gated channel alpha subunit 1; minus strand). Cytogenetic location: 2q24.3.
Variant type: single nucleotide variant.
Coding change: c.2525T>G on transcript NM_001165963.4 (MANE Select); coding-DNA position 2525, T replaced by G.
Protein change: p.Leu842Arg; replaces leucine 842 with arginine.
Molecular consequence: missense variant. On other transcripts: non-coding transcript variant (1).
Genome position (GRCh38, 1-based): chr2:166,039,487, A>C on the plus strand (T>G on the coding strand, the complement: SCN1A is on the minus strand). VCF-style: chr2-166039487-A-C. GRCh37 (hg19) VCF-style: chr2-166895997-A-C.
Other names: c.2525T>G, p.Leu842Arg (NM_001202435.3, NM_001353948.2); c.2492T>G, p.Leu831Arg (NM_001353949.2, NM_001353950.2, NM_001353951.2 and 2 more transcripts); c.2489T>G, p.Leu830Arg (NM_001353954.2, NM_001353955.2); c.2441T>G, p.Leu814Arg (NM_001353957.2, NM_001165964.3, NM_001353958.2); c.2438T>G, p.Leu813Arg (NM_001353960.2); c.83T>G, p.Leu28Arg (NM_001353961.2); short protein forms L813R, L814R, L830R, L831R, L28R, L842R.
Identifiers: ClinVar variation 2734310 (VCV002734310.3), dbSNP rs2468113896, ClinGen allele CA349062542.

ClinVar aggregate classification (germline): Pathogenic (1 of 4 stars; one submission).

Conditions:
Early-infantile DEE. Also called: Early infantile epileptic encephalopathy; Early infantile epileptic encephalopathy with suppression bursts; Ohtahara syndrome. Identifiers: Orphanet 1934, MedGen C0393706, MONDO:0800491.

Submission:

Labcorp Genetics (formerly Invitae), Labcorp
Classification: Pathogenic for Early-infantile DEE. Last evaluated: 2025-06-02. Review status: criteria provided, single submitter. Criteria: Invitae Variant Classification Sherloc (09022015). Collection method: clinical testing. Allele origin: germline.
Comment: This sequence change replaces leucine, which is neutral and non-polar, with arginine, which is basic and polar, at codon 842 of the SCN1A protein (p.Leu842Arg). This variant is not present in population databases (gnomAD no frequency). This missense change has been observed in individual(s) with Dravet syndrome (PMID: 21248271). In at least one individual the variant was observed to be de novo. ClinVar contains an entry for this variant (Variation ID: 2734310). Invitae Evidence Modeling of protein sequence and biophysical properties (such as structural, functional, and spatial information, amino acid conservation, physicochemical variation, residue mobility, and thermodynamic stability) indicates that this missense variant is expected to disrupt SCN1A protein function with a positive predictive value of 95%. For these reasons, this variant has been classified as Pathogenic.

Literature cited by the submitters: PubMed 21248271.